The following is an entry in ClinVar:

NM_006158.5(NEFL):c.797A>G (p.Glu266Gly)

Gene: NEFL (neurofilament light chain; minus strand). Cytogenetic location: 8p21.2.
Variant type: single nucleotide variant.
Coding change: c.797A>G on transcript NM_006158.5 (MANE Select); coding-DNA position 797, A replaced by G.
Protein change: p.Glu266Gly; replaces glutamic acid 266 with glycine.
Molecular consequence: missense variant.
Genome position (GRCh38, 1-based): chr8:24,955,719, T>C on the plus strand (A>G on the coding strand, the complement: NEFL is on the minus strand). VCF-style: chr8-24955719-T-C. GRCh37 (hg19) VCF-style: chr8-24813233-T-C.
Other names: short protein forms E266G.
Identifiers: ClinVar variation 464929 (VCV000464929.4), dbSNP rs1367433683, ClinGen allele CA370621609.

ClinVar aggregate classification (germline): Uncertain significance. Review status: criteria provided, multiple submitters, no conflicts (2 of 4 stars). 2 submissions from 2 submitters: Uncertain significance (2). Last evaluated 2025-09-11.

Conditions:
Charcot-Marie-Tooth disease type 2E (CMT2E). Also called: CHARCOT-MARIE-TOOTH DISEASE, AXONAL, TYPE 2E; CHARCOT-MARIE-TOOTH NEUROPATHY, TYPE 2E. Identifiers: Orphanet 99939, MedGen C1843225, MONDO:0011894, OMIM 607684.

Submissions (2):

Athena Diagnostics
Classification: Uncertain significance. Last evaluated: 2025-09-11. Review status: criteria provided, single submitter. Criteria: Athena Diagnostics Criteria. Collection method: clinical testing. Allele origin: unknown.
Comment: Available data are insufficient to determine the clinical significance of the variant at this time. This variant has not been reported in large, multi-ethnic general populations. Computational tools predict that this variant may be damaging.

Labcorp Genetics (formerly Invitae), Labcorp
Classification: Uncertain significance for Charcot-Marie-Tooth disease type 2E. Last evaluated: 2025-04-18. Review status: criteria provided, single submitter. Criteria: Invitae Variant Classification Sherloc (09022015). Collection method: clinical testing. Allele origin: germline.
Comment: This sequence change replaces glutamic acid, which is acidic and polar, with glycine, which is neutral and non-polar, at codon 266 of the NEFL protein (p.Glu266Gly). This variant is not present in population databases (gnomAD no frequency). This variant has not been reported in the literature in individuals affected with NEFL-related conditions. ClinVar contains an entry for this variant (Variation ID: 464929). Invitae Evidence Modeling of protein sequence and biophysical properties (such as structural, functional, and spatial information, amino acid conservation, physicochemical variation, residue mobility, and thermodynamic stability) indicates that this missense variant is expected to disrupt NEFL protein function with a positive predictive value of 80%. In summary, the available evidence is currently insufficient to determine the role of this variant in disease. Therefore, it has been classified as a Variant of Uncertain Significance.